The following is an entry in ClinVar:

ClinVar aggregate classification (germline): Pathogenic (1 of 4 stars; one submission).

Conditions:
Long QT syndrome (LQTS). Identifiers: MedGen C0023976, MeSH D008133, MONDO:0002442. Disease mechanism: loss of function. Inheritance: Various modes of inheritance.

Submission:

Labcorp Genetics (formerly Invitae), Labcorp
Classification: Pathogenic for Long QT syndrome. Last evaluated: 2017-04-05. Review status: criteria provided, single submitter. Criteria: Invitae Variant Classification Sherloc (09022015). Collection method: clinical testing. Allele origin: germline.
Comment: For these reasons, this variant has been classified as Pathogenic. While this particular variant has not been reported in the literature, loss-of-function variants in KCNQ1 are known to be pathogenic (PMID: 19862833). This sequence change creates a premature translational stop signal at codon 278 (p.Tyr278*) of the KCNQ1 gene. It is expected to result in an absent or disrupted protein product.

Literature cited by the submitters: PubMed 19862833.

NM_000218.3(KCNQ1):c.834C>G (p.Tyr278Ter)

Gene: KCNQ1 (potassium voltage-gated channel subfamily Q member 1; plus strand). Cytogenetic location: 11p15.5.
Variant type: single nucleotide variant.
Coding change: c.834C>G on transcript NM_000218.3 (MANE Select); coding-DNA position 834, C replaced by G.
Protein change: p.Tyr278Ter; replaces tyrosine 278 with a stop codon.
Molecular consequence: nonsense.
Genome position (GRCh38, 1-based): chr11:2,572,899, C>G. VCF-style: chr11-2572899-C-G. GRCh37 (hg19) VCF-style: chr11-2594129-C-G.
Other names: c.834C>G, p.Tyr278Ter (NM_001406836.1); c.564C>G, p.Tyr188Ter (NM_001406837.1); c.453C>G, p.Tyr151Ter (NM_181798.2); short protein forms Y151*, Y278*, Y188*.
Identifiers: ClinVar variation 456869 (VCV000456869.10), dbSNP rs1554893228, ClinGen allele CA379131455.